The following is an entry in ClinVar:

NM_001367624.2(ZNF469):c.9701C>T (p.Pro3234Leu)

Gene: ZNF469 (zinc finger protein 469; plus strand). Cytogenetic location: 16q24.2.
Variant type: single nucleotide variant.
Coding change: c.9701C>T on transcript NM_001367624.2 (MANE Select); coding-DNA position 9701, C replaced by T.
Protein change: p.Pro3234Leu; replaces proline 3234 with leucine.
Molecular consequence: missense variant.
Genome position (GRCh38, 1-based): chr16:88,437,171, C>T. VCF-style: chr16-88437171-C-T. GRCh37 (hg19) VCF-style: chr16-88503579-C-T.
Other names: NM_001127464.1:c.9617C>T; short protein forms P3234L.
Identifiers: ClinVar variation 1767583 (VCV001767583.5), dbSNP rs1455741494, ClinGen allele CA397124529.

ClinVar aggregate classification (germline): Uncertain significance. Review status: criteria provided, multiple submitters, no conflicts (2 of 4 stars). 2 submissions from 2 submitters: Uncertain significance (2). Last evaluated 2024-08-12.

Conditions:
Cardiovascular phenotype. Identifiers: MedGen CN230736.

Allele frequency attached by ClinVar (database versions not stated): gnomAD 0.00001; TOPMed 0.00001.
gnomAD v4.1: 23 of 1,549,340 alleles (0.0015%); highest among the groups gnomAD compares: Non-Finnish European, 0.002%; no homozygotes.

Submissions (2):

Ambry Genetics
Classification: Uncertain significance for Cardiovascular phenotype. Last evaluated: 2024-08-12. Review status: criteria provided, single submitter. Criteria: Ambry Variant Classification Scheme 2023. Collection method: clinical testing. Allele origin: germline.

Labcorp Genetics (formerly Invitae), Labcorp
Classification: Uncertain significance. Last evaluated: 2022-08-10. Review status: criteria provided, single submitter. Criteria: Invitae Variant Classification Sherloc (09022015). Collection method: clinical testing. Allele origin: germline.
Comment: This sequence change replaces proline, which is neutral and non-polar, with leucine, which is neutral and non-polar, at codon 3206 of the ZNF469 protein (p.Pro3206Leu). This variant is present in population databases (no rsID available, gnomAD 0.006%). This missense change has been observed in individual(s) with keratoconus (PMID: 25097247). Algorithms developed to predict the effect of missense changes on protein structure and function (SIFT, PolyPhen-2, Align-GVGD) all suggest that this variant is likely to be tolerated. In summary, the available evidence is currently insufficient to determine the role of this variant in disease. Therefore, it has been classified as a Variant of Uncertain Significance.

Literature cited by the submitters: PubMed 25097247 (cited by Labcorp Genetics (formerly Invitae), Labcorp).